The following is an entry in ClinVar:

ClinVar aggregate classification (germline): Uncertain significance (1 of 4 stars; one submission).

Submission:

Women's Health and Genetics/Laboratory Corporation of America, LabCorp
Classification: Uncertain significance. Last evaluated: 2023-07-24. Review status: criteria provided, single submitter. Criteria: LabCorp Variant Classification Summary - May 2015. Collection method: clinical testing. Allele origin: germline.
Comment: Variant summary: BRCA2 c.7353C>A (p.Asp2451Glu) results in a conservative amino acid change in the encoded protein sequence. Five of five in-silico tools predict a benign effect of the variant on protein function. The variant was absent in 251098 control chromosomes. The available data on variant occurrences in the general population are insufficient to allow any conclusion about variant significance. To our knowledge, no occurrence of c.7353C>A in individuals affected with Hereditary Breast And Ovarian Cancer Syndrome and no experimental evidence demonstrating its impact on protein function have been reported. No submitters have cited clinical-significance assessments for this variant to ClinVar after 2014. Based on the evidence outlined above, the variant was classified as uncertain significance.

NM_000059.4(BRCA2):c.7353C>A (p.Asp2451Glu)

Gene: BRCA2 (BRCA2 DNA repair associated; plus strand). Cytogenetic location: 13q13.1.
Variant type: single nucleotide variant.
Coding change: c.7353C>A on transcript NM_000059.4 (MANE Select); coding-DNA position 7353, C replaced by A.
Protein change: p.Asp2451Glu; replaces aspartic acid 2451 with glutamic acid.
Molecular consequence: missense variant. On other transcripts: non-coding transcript variant (1).
Genome position (GRCh38, 1-based): chr13:32,355,206, C>A. VCF-style: chr13-32355206-C-A. GRCh37 (hg19) VCF-style: chr13-32929343-C-A.
Other names: c.7257C>A, p.Asp2419Glu (NM_001406719.1); c.7353C>A, p.Asp2451Glu (NM_001406720.1); c.2421C>A, p.Asp807Glu (NM_001406721.1); c.936C>A, p.Asp312Glu (NM_001406722.1); short protein forms D2419E, D2451E, D312E, D807E.
Identifiers: ClinVar variation 2577320 (VCV002577320.1), dbSNP rs2137558293, ClinGen allele CA387741382.